The following is an entry in ClinVar:

NM_058222.3(TECTB):c.627G>A (p.Ser209=)

Gene: TECTB (tectorin beta; plus strand). Cytogenetic location: 10q25.2.
Variant type: single nucleotide variant.
Coding change: c.627G>A on transcript NM_058222.3 (MANE Select); coding-DNA position 627, G replaced by A.
Protein change: p.Ser209=; no amino-acid change (serine 209 retained).
Molecular consequence: synonymous variant.
Genome position (GRCh38, 1-based): chr10:112,294,017, G>A. VCF-style: chr10-112294017-G-A. GRCh37 (hg19) VCF-style: chr10-114053775-G-A.
Identifiers: ClinVar variation 3049709 (VCV003049709.2), dbSNP rs200185742, ClinGen allele CA213306496.

ClinVar aggregate classification (germline): Likely benign (0 of 4 stars; one submission).

Conditions:
TECTB-related disorder. Also called: TECTB-related condition.

Allele frequency attached by ClinVar (database versions not stated): gnomAD 0.00003; TOPMed 0.00003; 1000 Genomes Project 30x 0.00016; 1000 Genomes Project 0.00020.
gnomAD v4.1: 36 of 1,614,092 alleles (0.0022%); highest among the groups gnomAD compares: Middle Eastern, 0.033%; 1 homozygote.

Submission:

PreventionGenetics, part of Exact Sciences
Classification: Likely benign for TECTB-related condition. Last evaluated: 2019-07-18. Review status: no assertion criteria provided. Collection method: clinical testing. Allele origin: germline.
Comment: This variant is classified as likely benign based on ACMG/AMP sequence variant interpretation guidelines (Richards et al. 2015 PMID: 25741868, with internal and published modifications).